The following is an entry in ClinVar:

NM_052867.4(NALCN):c.103A>G (p.Lys35Glu)

Gene: NALCN (sodium leak channel, non-selective; minus strand). Cytogenetic location: 13q33.1.
Variant type: single nucleotide variant.
Coding change: c.103A>G on transcript NM_052867.4 (MANE Select); coding-DNA position 103, A replaced by G.
Protein change: p.Lys35Glu; replaces lysine 35 with glutamic acid.
Molecular consequence: missense variant.
Genome position (GRCh38, 1-based): chr13:101,399,024, T>C on the plus strand (A>G on the coding strand, the complement: NALCN is on the minus strand). VCF-style: chr13-101399024-T-C. GRCh37 (hg19) VCF-style: chr13-102051375-T-C.
Other names: c.103A>G, p.Lys35Glu (NM_001350748.2, NM_001350749.2, NM_001350750.2 and 1 more transcripts); short protein forms K35E.
Identifiers: ClinVar variation 703373 (VCV000703373.13), dbSNP rs79047578, ClinGen allele CA7036565.

ClinVar aggregate classification (germline): Conflicting classifications of pathogenicity. Review status: criteria provided, conflicting classifications (1 of 4 stars). 3 submissions from 3 submitters: Uncertain significance (1); Likely benign (2). Last evaluated 2026-01-09.

Conditions:
Inborn genetic diseases. Identifiers: MedGen C0950123, MeSH D030342.

Allele frequency attached by ClinVar (database versions not stated): gnomAD exomes 0.00016 and 0.00041; ExAC 0.00064; 1000 Genomes Project 0.00140; gnomAD 0.00171 and 0.00184; 1000 Genomes Project 30x 0.00172; TOPMed 0.00222; ESP Exome Variant Server 0.00238.
gnomAD v4.1: 501 of 1,568,022 alleles (0.032%); highest among the groups gnomAD compares: African/African-American, 0.63%; no homozygotes.

Submissions (3):

Labcorp Genetics (formerly Invitae), Labcorp
Classification: Likely benign. Last evaluated: 2026-01-09. Review status: criteria provided, single submitter. Criteria: Invitae Variant Classification Sherloc (09022015). Collection method: clinical testing. Allele origin: germline.

Ambry Genetics
Classification: Uncertain significance for Inborn genetic diseases. Last evaluated: 2024-10-01. Review status: criteria provided, single submitter. Criteria: Ambry Variant Classification Scheme 2023. Collection method: clinical testing. Allele origin: germline.
Comment: Unlikely to be causative of congenital contractures of the limbs and face, hypotonia, and developmental delay (AD) Based on insufficient or conflicting evidence, the clinical significance of this alteration remains unclear.

GeneDx
Classification: Likely benign. Last evaluated: 2020-11-10. Review status: criteria provided, single submitter. Criteria: GeneDx Variant Classification Process June 2021. Collection method: clinical testing. Allele origin: germline. Affected: yes.